The following is an entry in ClinVar:

ClinVar aggregate classification (germline): Conflicting classifications of pathogenicity. Review status: criteria provided, conflicting classifications (1 of 4 stars). 6 submissions from 6 submitters: Uncertain significance (1); Likely benign (4). 1 of the submissions does not count toward it. Last evaluated 2025-10-27.

Conditions:
KCNQ3-related disorder. Also called: KCNQ3-Related Disorders; KCNQ3-related condition. Identifiers: MedGen CN381530.
Benign neonatal seizures. Also called: Convulsions benign familial neonatal dominant form; Autosomal dominant form of benign neonatal seizures; Benign familial neonatal seizures; Benign neonatal familial convulsions; Benign familial neonatal epilepsy. Identifiers: Orphanet 1949, MedGen C0220669, MONDO:0016027.

Allele frequency attached by ClinVar (database versions not stated): ExAC 0.00004; gnomAD exomes 0.00005 and 0.00007.
gnomAD v4.1: 98 of 1,613,944 alleles (0.0061%); highest among the groups gnomAD compares: Middle Eastern, 0.016%; no homozygotes.

Submissions (6):

Labcorp Genetics (formerly Invitae), Labcorp
Classification: Likely benign for Benign neonatal seizures. Last evaluated: 2025-10-27. Review status: criteria provided, single submitter. Criteria: Invitae Variant Classification Sherloc (09022015). Collection method: clinical testing. Allele origin: germline.

Blueprint Genetics
Classification: Likely benign. Last evaluated: 2024-11-22. Review status: criteria provided, single submitter. Criteria: ACMG Guidelines, 2015. Collection method: clinical testing. Allele origin: germline.

CeGaT Center for Human Genetics Tuebingen
Classification: Likely benign. Last evaluated: 2023-04-01. Review status: criteria provided, single submitter. Criteria: CeGaT Center For Human Genetics Tuebingen Variant Classification Criteria Version 2. Collection method: clinical testing. Allele origin: germline. Affected: yes. Observed: 2 variant alleles.
Comment: KCNQ3: BP4, BP7

GeneDx
Classification: Likely benign. Last evaluated: 2020-10-23. Review status: criteria provided, single submitter. Criteria: GeneDx Variant Classification Process June 2021. Collection method: clinical testing. Allele origin: germline. Affected: yes.

Genetic Services Laboratory, University of Chicago
Classification: Uncertain significance. Last evaluated: 2014-08-13. Review status: criteria provided, single submitter. Criteria: ACMG Guidelines, 2015. Collection method: clinical testing. Allele origin: germline.

PreventionGenetics, part of Exact Sciences
Classification: Likely benign for KCNQ3-related condition. Last evaluated: 2019-06-10. Review status: no assertion criteria provided. Collection method: clinical testing. Allele origin: germline. Not counted in ClinVar's aggregate classification.
Comment: This variant is classified as likely benign based on ACMG/AMP sequence variant interpretation guidelines (Richards et al. 2015 PMID: 25741868, with internal and published modifications).

NM_004519.4(KCNQ3):c.1995G>A (p.Ser665=)

Gene: KCNQ3 (potassium voltage-gated channel subfamily Q member 3; minus strand). Cytogenetic location: 8q24.22.
Variant type: single nucleotide variant.
Coding change: c.1995G>A on transcript NM_004519.4 (MANE Select); coding-DNA position 1995, G replaced by A.
Protein change: p.Ser665=; no amino-acid change (serine 665 retained).
Molecular consequence: synonymous variant.
Genome position (GRCh38, 1-based): chr8:132,129,886, C>T on the plus strand (G>A on the coding strand, the complement: KCNQ3 is on the minus strand). VCF-style: chr8-132129886-C-T. GRCh37 (hg19) VCF-style: chr8-133142133-C-T.
Other names: c.1635G>A, p.Ser545= (NM_001204824.2).
Identifiers: ClinVar variation 211237 (VCV000211237.54), dbSNP rs759776061, ClinGen allele CA205819.